The following is an entry in ClinVar:

NM_178857.6(RP1L1):c.2123C>A (p.Ser708Ter)

Gene: RP1L1 (RP1 like 1). Cytogenetic location: 8p23.1.
Variant type: single nucleotide variant.
Coding change: c.2123C>A on transcript NM_178857.6 (MANE Select); coding-DNA position 2123, C replaced by A.
Protein change: p.Ser708Ter; replaces serine 708 with a stop codon.
Molecular consequence: nonsense.
Genome position (GRCh38, 1-based): chr8:10,611,975, G>T on the plus strand (C>A on the coding strand, the complement: RP1L1 is on the minus strand). VCF-style: chr8-10611975-G-T. GRCh37 (hg19) VCF-style: chr8-10469485-G-T.
Other names: short protein forms S708*.
Identifiers: ClinVar variation 3776085 (VCV003776085.1).

ClinVar aggregate classification (germline): Likely pathogenic (1 of 4 stars; one submission).

Conditions:
Retinitis pigmentosa 88. Identifiers: MedGen C5394208, MONDO:0032940, OMIM 618826.

Submission:

3billion
Classification: Likely pathogenic for Retinitis pigmentosa 88. Last evaluated: 2024-02-29. Review status: criteria provided, single submitter. Criteria: ACMG Guidelines, 2015. Collection method: clinical testing. Allele origin: germline. Affected: yes.
Comment: The variant is not observed in the gnomAD v2.1.1 dataset. Predicted Consequence/Location: Stop-gained (nonsense): predicted to result in a loss or disruption of normal protein function through protein truncation. The predicted truncated protein may be shortened by more than 10%. None. Therefore, this variant is classified as Likely pathogenic according to the recommendation of ACMG/AMP guideline.

Literature cited by the submitters: PubMed 33946315.